The following is an entry in ClinVar:

NM_005359.6(SMAD4):c.1237T>A (p.Tyr413Asn)

Gene: SMAD4 (SMAD family member 4; plus strand). Cytogenetic location: 18q21.2.
Variant type: single nucleotide variant.
Coding change: c.1237T>A on transcript NM_005359.6 (MANE Select); coding-DNA position 1237, T replaced by A.
Protein change: p.Tyr413Asn; replaces tyrosine 413 with asparagine.
Molecular consequence: missense variant. On other transcripts: non-coding transcript variant (1).
Genome position (GRCh38, 1-based): chr18:51,067,116, T>A. VCF-style: chr18-51067116-T-A. GRCh37 (hg19) VCF-style: chr18-48593486-T-A.
Other names: c.1237T>A, p.Tyr413Asn (NM_001407041.1, NM_001407042.1); short protein forms Y413N.
Identifiers: ClinVar variation 5029714 (VCV005029714.1).

ClinVar aggregate classification (germline): Uncertain significance (1 of 4 stars; one submission).

Conditions:
Familial thoracic aortic aneurysm and aortic dissection (TAAD). Also called: Thoracic aortic aneurysms and dissections. Identifiers: Orphanet 91387, MedGen C4707243, MONDO:0019625.
Hereditary cancer-predisposing syndrome. Also called: Neoplastic Syndromes, Hereditary; Tumor predisposition; Hereditary neoplastic syndrome; Hereditary Cancer Syndrome. Identifiers: Orphanet 140162, MedGen C0027672, MeSH D009386, MONDO:0015356.

Submission:

Ambry Genetics
Classification: Uncertain significance for Hereditary cancer-predisposing syndrome; Familial thoracic aortic aneurysm and aortic dissection. Last evaluated: 2026-08-12. Review status: criteria provided, single submitter. Criteria: Ambry Variant Classification Scheme 2023. Collection method: clinical testing. Allele origin: germline.
Comment: The p.Y413N variant (also known as c.1237T>A), located in coding exon 9 of the SMAD4 gene, results from a T to A substitution at nucleotide position 1237. The tyrosine at codon 413 is replaced by asparagine, an amino acid with dissimilar properties. This amino acid position is highly conserved in available vertebrate species. In addition, this alteration is predicted to be deleterious by in silico analysis. Based on the available evidence, the clinical significance of this variant remains unclear.